The following is an entry in ClinVar:

NM_001206927.2(DNAH8):c.3581C>T (p.Ala1194Val)

Gene: DNAH8 (dynein axonemal heavy chain 8; plus strand). Cytogenetic location: 6p21.2.
Variant type: single nucleotide variant.
Coding change: c.3581C>T on transcript NM_001206927.2 (MANE Select); coding-DNA position 3581, C replaced by T.
Protein change: p.Ala1194Val; replaces alanine 1194 with valine.
Molecular consequence: missense variant.
Genome position (GRCh38, 1-based): chr6:38,822,895, C>T. VCF-style: chr6-38822895-C-T. GRCh37 (hg19) VCF-style: chr6-38790671-C-T.
Other names: c.2930C>T, p.Ala977Val (NM_001371.4); short protein forms A1194V, A977V.
Identifiers: ClinVar variation 407302 (VCV000407302.8), dbSNP rs1060501472, ClinGen allele CA16611914.
Genomic context (GRCh38, chr6:38,822,895, plus strand): 5'-CAGGATCTTTTGAAGAAGCTATTCCTGCGAGGAAGCTGAAGAATTTTTACCCGGGGGTAG[C>T]GGAGCACAAGGATATTTCTAAGTTGGTCCTGCTCCTTTCTTCCTCTGTAAATTCCCTAAG-3'
Protein context (NP_001193856.1, residues 1184-1204): RKLKNFYPGV[Ala1194Val]EHKDISKLVL

ClinVar aggregate classification (germline): Uncertain significance (1 of 4 stars; one submission).

Conditions:
Primary ciliary dyskinesia. Also called: Ciliary dyskinesia. Identifiers: Orphanet 244, MedGen C0008780, MONDO:0016575, HP:0012265.

Allele frequency attached by ClinVar (database versions not stated): TOPMed below 0.00001; gnomAD 0.00001.

Submission:

Labcorp Genetics (formerly Invitae), Labcorp
Classification: Uncertain significance for Primary ciliary dyskinesia. Last evaluated: 2022-07-05. Review status: criteria provided, single submitter. Criteria: Invitae Variant Classification Sherloc (09022015). Collection method: clinical testing. Allele origin: germline.
Comment: This variant has not been reported in the literature in individuals affected with DNAH8-related conditions. In summary, the available evidence is currently insufficient to determine the role of this variant in disease. Therefore, it has been classified as a Variant of Uncertain Significance. Algorithms developed to predict the effect of missense changes on protein structure and function are either unavailable or do not agree on the potential impact of this missense change (SIFT: "Deleterious"; PolyPhen-2: "Not Available"; Align-GVGD: "Class C0"). ClinVar contains an entry for this variant (Variation ID: 407302). This variant is not present in population databases (gnomAD no frequency). This sequence change replaces alanine, which is neutral and non-polar, with valine, which is neutral and non-polar, at codon 1194 of the DNAH8 protein (p.Ala1194Val).